The following is an entry in ClinVar:

NM_002465.4(MYBPC1):c.742G>A (p.Glu248Lys)

Gene: MYBPC1 (myosin binding protein C1; plus strand). Cytogenetic location: 12q23.2.
Variant type: single nucleotide variant.
Coding change: c.742G>A on transcript NM_002465.4 (MANE Select); coding-DNA position 742, G replaced by A.
Protein change: p.Glu248Lys; replaces glutamic acid 248 with lysine.
Molecular consequence: missense variant.
Genome position (GRCh38, 1-based): chr12:101,642,495, G>A. VCF-style: chr12-101642495-G-A. GRCh37 (hg19) VCF-style: chr12-102036273-G-A.
Other names: c.667G>A, p.Glu223Lys (NM_001254718.3, NM_001254719.3, NM_206820.4 and 1 more transcripts); c.631G>A, p.Glu211Lys (NM_001254720.3); c.610G>A, p.Glu204Lys (NM_001254721.3, NM_001404676.1, NM_001404678.1); c.589G>A, p.Glu197Lys (NM_001254722.3, NM_001404680.1); c.628G>A, p.Glu210Lys (NM_001254723.3); c.742G>A, p.Glu248Lys (NM_001404675.1, NM_206819.4); c.532G>A, p.Glu178Lys (NM_001404677.1, NM_001404679.1, NM_001404681.1); short protein forms E223K, E248K, E211K, E197K, E210K, E204K, E178K.
Identifiers: ClinVar variation 225889 (VCV000225889.8), dbSNP rs564856283, ClinGen allele CA16040616.

ClinVar aggregate classification (germline): Pathogenic/Likely pathogenic. Review status: criteria provided, multiple submitters, no conflicts (2 of 4 stars). 3 submissions from 3 submitters: Pathogenic (1); Likely pathogenic (1). 1 of the submissions does not count toward it. Last evaluated 2023-11-13.

Conditions:
Myopathy, congenital, with tremor. Also called: myogenic tremor; CONGENITAL MYOPATHY 16. Identifiers: MedGen C5231401, MONDO:0032797, OMIM 618524.

Submissions (3):

3billion
Classification: Likely pathogenic for Myopathy, congenital, with tremor. Last evaluated: 2023-11-13. Review status: criteria provided, single submitter. Criteria: ACMG Guidelines, 2015. Collection method: clinical testing. Allele origin: germline. Affected: yes.
Comment: The variant is not observed in the gnomAD v2.1.1 dataset. Predicted Consequence/Location: The variant is located in a mutational hot spot and/or well-established functional domain in which established pathogenic variants have been reported (PMID: 25679999, 31264822). Missense changes are a common disease-causing mechanism. In silico tool predictions suggest damaging effect of the variant on gene or gene product [REVEL: 0.80 (>=0.6, sensitivity 0.68 and specificity 0.92); 3Cnet: 0.87 (>=0.6, sensitivity 0.72 and precision 0.9)]. Same nucleotide change resulting in same amino acid change has been previously reported to be associated with MYBPC1 related disorder (ClinVar ID: VCV000225889 /PMID: 31025394). Therefore, this variant is classified as Likely pathogenic according to the recommendation of ACMG/AMP guideline.

Medical Genetics and Mitochondrial Research group, Latvian Biomedical Research and Study center
Classification: Pathogenic. Last evaluated: 2016-05-06. Review status: criteria provided, single submitter. Criteria: ACMG Guidelines, 2015. Collection method: clinical testing, research. Allele origin: inherited, not applicable. Inheritance: Autosomal dominant inheritance. Affected: yes. Observed: 4 variant alleles, 4 heterozygotes. Clinical features observed: Myopathy (HP:0003198), Tremor (HP:0001337), Spinal rigidity (HP:0003306). Functional consequence: effect on protein interaction.

OMIM
Classification: Pathogenic for CONGENITAL MYOPATHY 16. Last evaluated: 2024-07-16. Review status: no assertion criteria provided. Collection method: literature only. Allele origin: germline. Not counted in ClinVar's aggregate classification.

Literature cited by the submitters: PubMed 31025394 (cited by 3billion and OMIM); PubMed 25679999 (cited by 3billion).